The following is an entry in ClinVar:

ClinVar aggregate classification (germline): Uncertain significance (1 of 4 stars; one submission).

gnomAD v4.1: 1 of 1,608,170 alleles (0.000062%); highest among the groups gnomAD compares: Non-Finnish European, 0.000085%; no homozygotes.

Submission:

Labcorp Genetics (formerly Invitae), Labcorp
Classification: Uncertain significance. Last evaluated: 2021-07-28. Review status: criteria provided, single submitter. Criteria: Invitae Variant Classification Sherloc (09022015). Collection method: clinical testing. Allele origin: germline.
Comment: Algorithms developed to predict the effect of missense changes on protein structure and function (SIFT, PolyPhen-2, Align-GVGD) all suggest that this variant is likely to be tolerated. This variant has not been reported in the literature in individuals affected with EIF2AK3-related conditions. This variant is not present in population databases (ExAC no frequency). This sequence change replaces glycine with arginine at codon 89 of the EIF2AK3 protein (p.Gly89Arg). The glycine residue is weakly conserved and there is a moderate physicochemical difference between glycine and arginine. In summary, the available evidence is currently insufficient to determine the role of this variant in disease. Therefore, it has been classified as a Variant of Uncertain Significance.

NM_004836.7(EIF2AK3):c.265G>C (p.Gly89Arg)

Gene: EIF2AK3 (eukaryotic translation initiation factor 2 alpha kinase 3; minus strand). Cytogenetic location: 2p11.2.
Variant type: single nucleotide variant.
Coding change: c.265G>C on transcript NM_004836.7 (MANE Select); coding-DNA position 265, G replaced by C.
Protein change: p.Gly89Arg; replaces glycine 89 with arginine.
Molecular consequence: missense variant.
Genome position (GRCh38, 1-based): chr2:88,627,010, C>G on the plus strand (G>C on the coding strand, the complement: EIF2AK3 is on the minus strand). VCF-style: chr2-88627010-C-G. GRCh37 (hg19) VCF-style: chr2-88926528-C-G.
Other names: short protein forms G89R.
Identifiers: ClinVar variation 1370789 (VCV001370789.6), dbSNP rs767999139, ClinGen allele CA347763154.